The following is an entry in ClinVar:

NM_000089.4(COL1A2):c.1010G>C (p.Gly337Ala)

Gene: COL1A2 (collagen type I alpha 2 chain; plus strand). Cytogenetic location: 7q21.3.
Variant type: single nucleotide variant.
Coding change: c.1010G>C on transcript NM_000089.4 (MANE Select); coding-DNA position 1010, G replaced by C.
Protein change: p.Gly337Ala; replaces glycine 337 with alanine.
Molecular consequence: missense variant.
Genome position (GRCh38, 1-based): chr7:94,409,796, G>C. VCF-style: chr7-94409796-G-C. GRCh37 (hg19) VCF-style: chr7-94039108-G-C.
Other names: short protein forms G337A.
Identifiers: ClinVar variation 1415383 (VCV001415383.8), dbSNP rs2115894285, ClinGen allele CA368220962.
Genomic context (GRCh38, chr7:94,409,796, plus strand): 5'-TTGCTGGGGCTCCCGGCCTCCCTGGACCCCGCGGTATTCCTGGCCCTGTTGGTGCTGCCG[G>C]TGCTACTGGTGCCAGAGGACTTGTTGTAAGTGGTCATGACTGTGGTTCTCATCATCCTGA-3'
Protein context (NP_000080.2, residues 327-347): RGIPGPVGAA[Gly337Ala]ATGARGLVGE

ClinVar aggregate classification (germline): Pathogenic (1 of 4 stars; one submission).

Conditions:
Ehlers-Danlos syndrome, classic type, 1 (EDSCL1). Also called: EHLERS-DANLOS SYNDROME, GRAVIS TYPE; EHLERS-DANLOS SYNDROME, SEVERE CLASSIC TYPE; Ehlers-Danlos syndrome, type 1; Ehlers-Danlos Syndrome, Classic Type, COL5A1-Related; EDS I. Identifiers: MedGen C0268335, MONDO:0019567, OMIM 130000.
Osteogenesis imperfecta type I (OI1). Also called: OI, TYPE I; OSTEOGENESIS IMPERFECTA TARDA; OSTEOGENESIS IMPERFECTA WITH BLUE SCLERAE; Osteogenesis imperfecta type 1; Lobstein's Disease; Lobstein disease. Identifiers: Orphanet 216796, Orphanet 666, MedGen C0023931, MONDO:0008146, OMIM 166200. Disease mechanism: loss of function.

Submission:

Labcorp Genetics (formerly Invitae), Labcorp
Classification: Pathogenic for Osteogenesis imperfecta type I; Ehlers-Danlos syndrome, classic type, 1. Last evaluated: 2021-04-18. Review status: criteria provided, single submitter. Criteria: Invitae Variant Classification Sherloc (09022015). Collection method: clinical testing. Allele origin: germline.
Comment: This variant disrupts the triple helix domain of COL1A2. Glycine residues within the Gly-Xaa-Yaa repeats of the triple helix domain are required for the structure and stability of fibrillar collagens (PMID: 7695699, 8218237, 19344236). In COL1A2, variants affecting these glycine residues are significantly enriched in individuals with disease (PMID: 9016532, 17078022) compared to the general population (ExAC). This variant disrupts the p.Gly337 amino acid residue in COL1A2. Other variant(s) that disrupt this residue have been observed in individuals with COL1A2-related conditions (PMID: 27509835), which suggests that this may be a clinically significant amino acid residue For these reasons, this variant has been classified as Pathogenic. Advanced modeling of protein sequence and biophysical properties (such as structural, functional, and spatial information, amino acid conservation, physicochemical variation, residue mobility, and thermodynamic stability) performed at Invitae indicates that this missense variant is expected to disrupt COL1A2 protein function. This variant has been observed in individual(s) with clinical features of autosomal dominant Ehlers-Danlos syndrome (Invitae). This variant is not present in population databases (ExAC no frequency). This sequence change replaces glycine with alanine at codon 337 of the COL1A2 protein (p.Gly337Ala). The glycine residue is highly conserved and there is a small physicochemical difference between glycine and alanine.

Literature cited by the submitters: PubMed 7695699; PubMed 8218237; PubMed 19344236; PubMed 9016532; PubMed 17078022; PubMed 27509835.